The following is an entry in ClinVar:

NM_001162501.2(TNRC6B):c.560G>A (p.Trp187Ter)

Gene: TNRC6B (trinucleotide repeat containing adaptor 6B; plus strand). Cytogenetic location: 22q13.1.
Variant type: single nucleotide variant.
Coding change: c.560G>A on transcript NM_001162501.2 (MANE Select); coding-DNA position 560, G replaced by A.
Protein change: p.Trp187Ter; replaces tryptophan 187 with a stop codon.
Molecular consequence: nonsense. On other transcripts: intron variant (1).
Genome position (GRCh38, 1-based): chr22:40,264,790, G>A. VCF-style: chr22-40264790-G-A. GRCh37 (hg19) VCF-style: chr22-40660794-G-A.
Other names: c.560G>A, p.Trp187Ter (NM_015088.3); c.565+2617G>A (NM_001024843.2); short protein forms W187*.
Identifiers: ClinVar variation 3971798 (VCV003971798.1).

ClinVar aggregate classification (germline): Pathogenic (1 of 4 stars; one submission).

Conditions:
Inborn genetic diseases. Identifiers: MedGen C0950123, MeSH D030342.

Submission:

Ambry Genetics
Classification: Pathogenic for Inborn genetic diseases. Last evaluated: 2025-05-12. Review status: criteria provided, single submitter. Criteria: Ambry Variant Classification Scheme 2023. Collection method: clinical testing. Allele origin: germline.
Comment: The c.560G>A (p.W187*) alteration, located in exon 5 (coding exon 5) of the TNRC6B gene, consists of a G to A substitution at nucleotide position 560. This changes the amino acid from a tryptophan (W) to a stop codon at amino acid position 187. This alteration is expected to result in loss of function by premature protein truncation or nonsense-mediated mRNA decay. This variant was not reported in population-based cohorts in the Genome Aggregation Database (gnomAD). Based on the available evidence, this alteration is classified as pathogenic.